The following is an entry in ClinVar:

ClinVar aggregate classification (germline): Uncertain significance (1 of 4 stars; one submission).

Allele frequency attached by ClinVar (database versions not stated): TOPMed 0.00001.

Submission:

Labcorp Genetics (formerly Invitae), Labcorp
Classification: Uncertain significance. Last evaluated: 2022-03-02. Review status: criteria provided, single submitter. Criteria: Invitae Variant Classification Sherloc (09022015). Collection method: clinical testing. Allele origin: germline.
Comment: This sequence change replaces glutamic acid, which is acidic and polar, with aspartic acid, which is acidic and polar, at codon 118 of the PRPF6 protein (p.Glu118Asp). This variant is not present in population databases (gnomAD no frequency). This variant has not been reported in the literature in individuals affected with PRPF6-related conditions. Algorithms developed to predict the effect of missense changes on protein structure and function (SIFT, PolyPhen-2, Align-GVGD) all suggest that this variant is likely to be tolerated. In summary, the available evidence is currently insufficient to determine the role of this variant in disease. Therefore, it has been classified as a Variant of Uncertain Significance.

NM_012469.4(PRPF6):c.354A>C (p.Glu118Asp)

Gene: PRPF6 (pre-mRNA processing factor 6; plus strand). Cytogenetic location: 20q13.33.
Variant type: single nucleotide variant.
Coding change: c.354A>C on transcript NM_012469.4 (MANE Select); coding-DNA position 354, A replaced by C.
Protein change: p.Glu118Asp; replaces glutamic acid 118 with aspartic acid.
Molecular consequence: missense variant.
Genome position (GRCh38, 1-based): chr20:63,985,020, A>C. VCF-style: chr20-63985020-A-C. GRCh37 (hg19) VCF-style: chr20-62616373-A-C.
Other names: short protein forms E118D.
Identifiers: ClinVar variation 2105647 (VCV002105647.4), dbSNP rs2059087209, ClinGen allele CA409798442.